The following is an entry in ClinVar:

ClinVar aggregate classification (germline): Likely pathogenic (1 of 4 stars; one submission).

Submission:

GeneDx
Classification: Likely pathogenic. Last evaluated: 2020-07-07. Review status: criteria provided, single submitter. Criteria: GeneDx Variant Classification Process June 2021. Collection method: clinical testing. Allele origin: germline. Affected: yes.
Comment: Not observed in large population cohorts (Lek et al., 2016); Missense variants in this gene are often considered pathogenic (Stenson et al., 2014); In silico analysis supports that this missense variant has a deleterious effect on protein structure/function; Has not been previously published as pathogenic or benign to our knowledge

NM_172107.4(KCNQ2):c.340A>C (p.Thr114Pro)

Gene: KCNQ2 (potassium voltage-gated channel subfamily Q member 2; minus strand). Cytogenetic location: 20q13.33.
Variant type: single nucleotide variant.
Coding change: c.340A>C on transcript NM_172107.4 (MANE Select); coding-DNA position 340, A replaced by C.
Protein change: p.Thr114Pro; replaces threonine 114 with proline.
Molecular consequence: missense variant.
Genome position (GRCh38, 1-based): chr20:63,446,794, T>G on the plus strand (A>C on the coding strand, the complement: KCNQ2 is on the minus strand). VCF-style: chr20-63446794-T-G. GRCh37 (hg19) VCF-style: chr20-62078147-T-G.
Other names: c.340A>C, p.Thr114Pro (NM_001382235.1, NM_004518.6, NM_172106.3 and 2 more transcripts); short protein forms T114P.
Identifiers: ClinVar variation 1197529 (VCV001197529.2), dbSNP rs1057516076, ClinGen allele CA409656459.